The following is an entry in ClinVar:

NM_001142864.4(PIEZO1):c.7038G>A (p.Ser2346=)

Gene: PIEZO1 (piezo type mechanosensitive ion channel component 1 (Er blood group); minus strand). Cytogenetic location: 16q24.3.
Variant type: single nucleotide variant.
Coding change: c.7038G>A on transcript NM_001142864.4 (MANE Select); coding-DNA position 7038, G replaced by A.
Protein change: p.Ser2346=; no amino-acid change (serine 2346 retained).
Molecular consequence: synonymous variant.
Genome position (GRCh38, 1-based): chr16:88,716,372, C>T on the plus strand (G>A on the coding strand, the complement: PIEZO1 is on the minus strand). VCF-style: chr16-88716372-C-T. GRCh37 (hg19) VCF-style: chr16-88782780-C-T.
Identifiers: ClinVar variation 4931782 (VCV004931782.2).

ClinVar aggregate classification (germline): Likely benign. Review status: criteria provided, multiple submitters, no conflicts (2 of 4 stars). 2 submissions from 2 submitters: Likely benign (2). Last evaluated 2026-09-01.

gnomAD v4.1: 342 of 1,541,658 alleles (0.022%); highest among the groups gnomAD compares: South Asian, 0.31%; 3 homozygotes.

Submissions (2):

CeGaT Center for Human Genetics Tuebingen
Classification: Likely benign. Last evaluated: 2026-09-01. Review status: criteria provided, single submitter. Criteria: CeGaT Center For Human Genetics Tuebingen Variant Classification Criteria Version 2. Collection method: clinical testing. Allele origin: germline. Affected: yes. Observed: 1 variant allele.
Comment: PIEZO1: BP4, BP7

Blueprint Genetics
Classification: Likely benign. Last evaluated: 2024-05-03. Review status: criteria provided, single submitter. Criteria: ACMG Guidelines, 2015. Collection method: clinical testing. Allele origin: germline.